The following is an entry in ClinVar:

NM_001009944.3(PKD1):c.5002G>C (p.Ala1668Pro)

Gene: PKD1 (polycystin 1, transient receptor potential channel interacting; minus strand). Cytogenetic location: 16p13.3.
Variant type: single nucleotide variant.
Coding change: c.5002G>C on transcript NM_001009944.3 (MANE Select); coding-DNA position 5002, G replaced by C.
Protein change: p.Ala1668Pro; replaces alanine 1668 with proline.
Molecular consequence: missense variant.
Genome position (GRCh38, 1-based): chr16:2,110,165, C>G on the plus strand (G>C on the coding strand, the complement: PKD1 is on the minus strand). VCF-style: chr16-2110165-C-G. GRCh37 (hg19) VCF-style: chr16-2160166-C-G.
Other names: c.5002G>C, p.Ala1668Pro (NM_000296.4); short protein forms A1668P.
Identifiers: ClinVar variation 3376950 (VCV003376950.4).
Genomic context (GRCh38, chr16:2,110,165, plus strand): 5'-GCACGGTGAGCGAGAAGCCTTTGCCGCTGCCGGCCAGGGCCGGGCCCCTGTCCCTCCAGG[C>G]AGTCCAGCTGTAGGAGACGTTGGTGCCATCCCTAACCACGGCCTGCAGCTGTACCGTGTG-3'
Protein context (NP_001009944.3, residues 1658-1678): DGTNVSYSWT[Ala1668Pro]WRDRGPALAG

ClinVar aggregate classification (germline): Uncertain significance. Review status: criteria provided, multiple submitters, no conflicts (2 of 4 stars). 2 submissions from 2 submitters: Uncertain significance (2). Last evaluated 2025-02-10.

Conditions:
Polycystic kidney disease, adult type (PKD1). Also called: Polycystic Kidney Disease 1, Autosomal Dominant; Polycystic kidney disease 1; Polycystic kidney disease 1, severe; POLYCYSTIC KIDNEY DISEASE 1 WITH OR WITHOUT POLYCYSTIC LIVER DISEASE; POLYCYSTIC KIDNEY DISEASE, ADULT, TYPE I; Polycystic Kidney, Autosomal Dominant. Identifiers: MedGen C3149841, MONDO:0008263, OMIM 173900.

Submissions (2):

Victorian Clinical Genetics Services, Murdoch Childrens Research Institute
Classification: Uncertain significance for Polycystic kidney disease, adult type. Last evaluated: 2025-02-10. Review status: criteria provided, single submitter. Criteria: ACMG Guidelines, 2015. Collection method: clinical testing. Allele origin: germline. Affected: yes.
Comment: This variant is classified as VUS-3A. Evidence in support of pathogenic classification: Variant is absent from gnomAD (both v2 and v3); Evidence in support of benign classification: Missense variant consistently predicted to be tolerated by multiple in silico tools or not conserved in placental mammals with a minor amino acid change. Additional information: Variant is predicted to result in a missense amino acid change from alanine to proline; This variant is heterozygous; This gene is associated with autosomal dominant disease. Polycystic kidney disease 1 (MIM#173900) is predominantly caused by monoallelic variants, with rare reports of biallelic variants causing disease (OMIM); Multiple alternative amino acid changes at the same position have been observed in gnomAD (v3) (highest allele count: 5 heterozygotes, 0 homozygotes); This variant has no previous evidence of pathogenicity; No published segregation evidence has been identified for this variant; No published functional evidence has been identified for this variant; Another missense variant comparable to the one identified in this case has inconclusive previous evidence for pathogenicity. p.(Ala1668Val) has been classified as a VUS in ClinVar; Variant is located in the annotated PKD domain (DECIPHER); Loss of function is a known mechanism of disease in this gene and is associated with polycystic kidney disease 1 (MIM#173900).

Blueprint Genetics
Classification: Uncertain significance. Last evaluated: 2019-10-28. Review status: criteria provided, single submitter. Criteria: ACMG Guidelines, 2015. Collection method: clinical testing. Allele origin: germline.